The following is an entry in ClinVar:

NM_020751.3(COG6):c.1693-13T>C

Gene: COG6 (component of oligomeric golgi complex 6; plus strand). Cytogenetic location: 13q14.11.
Variant type: single nucleotide variant.
Coding change: c.1693-13T>C on transcript NM_020751.3 (MANE Select); 13 bases into the intron before coding-DNA position 1693, T replaced by C.
Molecular consequence: intron variant.
Genome position (GRCh38, 1-based): chr13:39,724,495, T>C. VCF-style: chr13-39724495-T-C. GRCh37 (hg19) VCF-style: chr13-40298632-T-C.
Other names: c.1693-13T>C (NM_001145079.2).
Identifiers: ClinVar variation 383924 (VCV000383924.1), dbSNP rs1057521781, ClinGen allele CA16606860.

ClinVar aggregate classification (germline): Likely benign (1 of 4 stars; one submission).

Submission:

GeneDx
Classification: Likely benign. Last evaluated: 2016-02-12. Review status: criteria provided, single submitter. Criteria: GeneDx Variant Classification (06012015). Collection method: clinical testing. Allele origin: germline. Affected: yes.
Comment: This variant is considered likely benign or benign based on one or more of the following criteria: it is a conservative change, it occurs at a poorly conserved position in the protein, it is predicted to be benign by multiple in silico algorithms, and/or has population frequency not consistent with disease.